The following is an entry in ClinVar:

ClinVar aggregate classification (germline): Uncertain significance. Review status: criteria provided, multiple submitters, no conflicts (2 of 4 stars). 3 submissions from 3 submitters: Uncertain significance (3). Last evaluated 2025-05-22.

Conditions:
Inborn genetic diseases. Identifiers: MedGen C0950123, MeSH D030342.

Allele frequency attached by ClinVar (database versions not stated): gnomAD 0.00001 and 0.00003; TOPMed 0.00005; gnomAD exomes 0.00028; ExAC 0.00113.
gnomAD v4.1: 132 of 1,343,384 alleles (0.0098%); highest among the groups gnomAD compares: South Asian, 0.063%; 2 homozygotes.

Submissions (3):

Mayo Clinic Laboratories, Mayo Clinic
Classification: Uncertain significance. Last evaluated: 2025-05-22. Review status: criteria provided, single submitter. Criteria: ACMG Guidelines, 2015. Collection method: clinical testing. Allele origin: germline. Observed: 1 variant allele.

Labcorp Genetics (formerly Invitae), Labcorp
Classification: Uncertain significance. Last evaluated: 2025-05-11. Review status: criteria provided, single submitter. Criteria: Invitae Variant Classification Sherloc (09022015). Collection method: clinical testing. Allele origin: germline.
Comment: This sequence change replaces arginine, which is basic and polar, with glycine, which is neutral and non-polar, at codon 24 of the DNAH9 protein (p.Arg24Gly). This variant is present in population databases (rs774227660, gnomAD 0.08%). This variant has not been reported in the literature in individuals affected with DNAH9-related conditions. ClinVar contains an entry for this variant (Variation ID: 1350370). Invitae Evidence Modeling of protein sequence and biophysical properties (such as structural, functional, and spatial information, amino acid conservation, physicochemical variation, residue mobility, and thermodynamic stability) indicates that this missense variant is expected to disrupt DNAH9 protein function with a positive predictive value of 80%. In summary, the available evidence is currently insufficient to determine the role of this variant in disease. Therefore, it has been classified as a Variant of Uncertain Significance.

Ambry Genetics
Classification: Uncertain significance for Inborn genetic diseases. Last evaluated: 2023-12-18. Review status: criteria provided, single submitter. Criteria: Ambry Variant Classification Scheme 2023. Collection method: clinical testing. Allele origin: germline.

NM_001372.4(DNAH9):c.70C>G (p.Arg24Gly)

Gene: DNAH9 (dynein axonemal heavy chain 9; plus strand). Cytogenetic location: 17p12.
Variant type: single nucleotide variant.
Coding change: c.70C>G on transcript NM_001372.4 (MANE Select); coding-DNA position 70, C replaced by G.
Protein change: p.Arg24Gly; replaces arginine 24 with glycine.
Molecular consequence: missense variant.
Genome position (GRCh38, 1-based): chr17:11,598,568, C>G. VCF-style: chr17-11598568-C-G. GRCh37 (hg19) VCF-style: chr17-11501885-C-G.
Other names: p.Arg24Gly; c.70C>G (NM_001372.3); short protein forms R24G.
Identifiers: ClinVar variation 1350370 (VCV001350370.8), dbSNP rs774227660, ClinGen allele CA8394453.